The following is an entry in ClinVar:

NM_004663.5(RAB11A):c.430+8A>G

Gene: RAB11A (RAB11A, member RAS oncogene family; plus strand). Cytogenetic location: 15q22.31.
Variant type: single nucleotide variant.
Coding change: c.430+8A>G on transcript NM_004663.5 (MANE Select); 8 bases into the intron after coding-DNA position 430, A replaced by G.
Molecular consequence: intron variant.
Genome position (GRCh38, 1-based): chr15:65,877,963, A>G. VCF-style: chr15-65877963-A-G. GRCh37 (hg19) VCF-style: chr15-66170301-A-G.
Other names: c.430+8A>G (NM_001206836.2).
Identifiers: ClinVar variation 4993182 (VCV004993182.1).
Genomic context (GRCh38, chr15:65,877,963, plus strand): 5'-TGATCTACGTCATCTCAGGGCAGTTCCTACAGATGAAGCAAGAGCTTTTGCAGGTTAGTG[A>G]TAGGAATTCCATGATATTTCTTACCATTGTGTCTTGTGGTTTTGATACCTTCCAATGAGA-3'

ClinVar aggregate classification (germline): Uncertain significance (1 of 4 stars; one submission).

Conditions:
RAB11A-related disorder. Also called: RAB11A-related condition.

Submission:

PreventionGenetics, part of Exact Sciences
Classification: Uncertain significance for RAB11A-related condition. Last evaluated: 2026-06-16. Review status: criteria provided, single submitter. Criteria: ACMG Guidelines, 2015. Collection method: clinical testing. Allele origin: germline.
Comment: The RAB11A c.430+8A>G variant is predicted to interfere with splicing. To our knowledge, this variant has not been reported in the literature or in a large population database (gnomAD), indicating this variant is rare. At this time, the clinical significance of this variant is uncertain due to the absence of conclusive functional and genetic evidence.